The following is an entry in ClinVar:

ClinVar aggregate classification (germline): Likely benign (0 of 4 stars; one submission).

Conditions:
H19-related disorder. Also called: H19-related condition.

Allele frequency attached by ClinVar (database versions not stated): ExAC 0.00004; 1000 Genomes Project 0.00020.

Submission:

PreventionGenetics, part of Exact Sciences
Classification: Likely benign for H19-related condition. Last evaluated: 2019-06-15. Review status: no assertion criteria provided. Collection method: clinical testing. Allele origin: germline.
Comment: This variant is classified as likely benign based on ACMG/AMP sequence variant interpretation guidelines (Richards et al. 2015 PMID: 25741868, with internal and published modifications).

NR_002196.3(H19):n.1525C>T

Genes: HOTS (H19 opposite tumor suppressor; plus strand), MRPL23 (mitochondrial ribosomal protein L23; plus strand), H19 (H19 imprinted maternally expressed transcript; minus strand). Cytogenetic location: 11p15.5.
Variant type: single nucleotide variant.
Molecular consequence: non-coding transcript variant (on NR_002196.3). On other transcripts: intron variant (1).
Genome position: GRCh38 VCF-style: chr11-1996127-G-A. GRCh37 (hg19) VCF-style: chr11-2017357-G-A.
Other names: c.498-15414G>A (NM_001400176.1).
Identifiers: ClinVar variation 3033654 (VCV003033654.2), dbSNP rs545220745, ClinGen allele CA5817322.